The following is an entry in ClinVar:

NM_005068.3(SIM1):c.717C>T (p.Asp239=)

Gene: SIM1 (SIM bHLH transcription factor 1; minus strand). Cytogenetic location: 6q16.3.
Variant type: single nucleotide variant.
Coding change: c.717C>T on transcript NM_005068.3 (MANE Select); coding-DNA position 717, C replaced by T.
Protein change: p.Asp239=; no amino-acid change (aspartic acid 239 retained).
Molecular consequence: synonymous variant.
Genome position (GRCh38, 1-based): chr6:100,448,505, G>A on the plus strand (C>T on the coding strand, the complement: SIM1 is on the minus strand). VCF-style: chr6-100448505-G-A. GRCh37 (hg19) VCF-style: chr6-100896381-G-A.
Other names: c.717C>T, p.Asp239= (NM_001374769.1).
Identifiers: ClinVar variation 3353815 (VCV003353815.1).

ClinVar aggregate classification (germline): Likely benign (0 of 4 stars; one submission).

Conditions:
SIM1-related disorder. Also called: SIM1-related condition; SIM1-related disorders.

Submission:

PreventionGenetics, part of Exact Sciences
Classification: Likely benign for SIM1-related condition. Last evaluated: 2022-03-17. Review status: no assertion criteria provided. Collection method: clinical testing. Allele origin: germline.
Comment: This variant is classified as likely benign based on ACMG/AMP sequence variant interpretation guidelines (Richards et al. 2015 PMID: 25741868, with internal and published modifications).